The following is an entry in ClinVar:

NM_003590.5(CUL3):c.549A>G (p.Ile183Met)

Gene: CUL3 (cullin 3; minus strand). Cytogenetic location: 2q36.2.
Variant type: single nucleotide variant.
Coding change: c.549A>G on transcript NM_003590.5 (MANE Select); coding-DNA position 549, A replaced by G.
Protein change: p.Ile183Met; replaces isoleucine 183 with methionine.
Molecular consequence: missense variant.
Genome position (GRCh38, 1-based): chr2:224,513,629, T>C on the plus strand (A>G on the coding strand, the complement: CUL3 is on the minus strand). VCF-style: chr2-224513629-T-C. GRCh37 (hg19) VCF-style: chr2-225378346-T-C.
Other names: c.351A>G, p.Ile117Met (NM_001257197.2); c.567A>G, p.Ile189Met (NM_001257198.2); short protein forms I117M, I183M, I189M.
Identifiers: ClinVar variation 4851687 (VCV004851687.1).

ClinVar aggregate classification (germline): Uncertain significance (1 of 4 stars; one submission).

Submission:

Greenwood Genetic Center Diagnostic Laboratories, Greenwood Genetic Center
Classification: Uncertain significance. Last evaluated: 2025-02-13. Review status: criteria provided, single submitter. Criteria: ACMG Guidelines, 2015. Collection method: clinical testing. Allele origin: germline.
Comment: PS2, PM2, BP4, PP2